The following is an entry in ClinVar:

ClinVar aggregate classification (germline): Uncertain significance (1 of 4 stars; one submission).

Conditions:
Episodic ataxia type 2 (EA2). Also called: CEREBELLAR ATAXIA, PAROXYSMAL, ACETAZOLAMIDE-RESPONSIVE; CEREBELLOPATHY, HEREDITARY PAROXYSMAL; EPISODIC ATAXIA, NYSTAGMUS-ASSOCIATED; ACETAZOLAMIDE-RESPONSIVE HEREDITARY PAROXYSMAL CEREBELLAR ATAXIA; ATAXIA, EPISODIC, WITH NYSTAGMUS; ATAXIA, FAMILIAL PAROXYSMAL. Identifiers: Orphanet 97, MedGen C1720416, MONDO:0007163, OMIM 108500.
Developmental and epileptic encephalopathy, 42 (DEE42A). Also called: Epileptic encephalopathy, early infantile, 42; DEVELOPMENTAL AND EPILEPTIC ENCEPHALOPATHY 42A; EPILEPTIC ENCEPHALOPATHY, EARLY INFANTILE, 42A. Identifiers: MedGen C4310716, MONDO:0014917, OMIM 617106.

Submission:

Labcorp Genetics (formerly Invitae), Labcorp
Classification: Uncertain significance for Developmental and epileptic encephalopathy, 42; Episodic ataxia type 2. Last evaluated: 2023-06-13. Review status: criteria provided, single submitter. Criteria: Invitae Variant Classification Sherloc (09022015). Collection method: clinical testing. Allele origin: germline.
Comment: In summary, the available evidence is currently insufficient to determine the role of this variant in disease. Therefore, it has been classified as a Variant of Uncertain Significance. Advanced modeling of protein sequence and biophysical properties (such as structural, functional, and spatial information, amino acid conservation, physicochemical variation, residue mobility, and thermodynamic stability) has been performed at Invitae for this missense variant, however the output from this modeling did not meet the statistical confidence thresholds required to predict the impact of this variant on CACNA1A protein function. This sequence change replaces proline, which is neutral and non-polar, with alanine, which is neutral and non-polar, at codon 1566 of the CACNA1A protein (p.Pro1566Ala). This variant is not present in population databases (gnomAD no frequency). This variant has not been reported in the literature in individuals affected with CACNA1A-related conditions.

NM_001127222.2(CACNA1A):c.4693C>G (p.Pro1565Ala)

Gene: CACNA1A (calcium voltage-gated channel subunit alpha1 A; minus strand). Cytogenetic location: 19p13.13.
Variant type: single nucleotide variant.
Coding change: c.4693C>G on transcript NM_001127222.2 (MANE Select); coding-DNA position 4693, C replaced by G.
Protein change: p.Pro1565Ala; replaces proline 1565 with alanine.
Molecular consequence: missense variant.
Genome position (GRCh38, 1-based): chr19:13,255,157, G>C on the plus strand (C>G on the coding strand, the complement: CACNA1A is on the minus strand). VCF-style: chr19-13255157-G-C. GRCh37 (hg19) VCF-style: chr19-13365971-G-C.
Other names: c.4705C>G, p.Pro1569Ala (NM_000068.4, NM_023035.3); c.4696C>G, p.Pro1566Ala (NM_001127221.2, NM_001174080.2); short protein forms P1565A, P1566A, P1569A.
Identifiers: ClinVar variation 2944876 (VCV002944876.3), dbSNP rs1353824164, ClinGen allele CA404338456.